The following is an entry in ClinVar:

ClinVar aggregate classification (germline): Uncertain significance. Review status: criteria provided, multiple submitters, no conflicts (2 of 4 stars). 2 submissions from 2 submitters: Uncertain significance (2). Last evaluated 2025-04-02.

Conditions:
Hereditary cancer-predisposing syndrome. Also called: Hereditary Cancer Syndrome; Tumor predisposition; Neoplastic Syndromes, Hereditary; Hereditary neoplastic syndrome. Identifiers: Orphanet 140162, MedGen C0027672, MeSH D009386, MONDO:0015356.
Neuroblastoma, susceptibility to, 3. Also called: ALK-Related Neuroblastic Tumor Susceptibility. Identifiers: Orphanet 635, MedGen C2751681, MONDO:0013083, OMIM 613014.

Allele frequency attached by ClinVar (database versions not stated): gnomAD exomes below 0.00001; TOPMed 0.00003.
gnomAD v4.1: 16 of 1,614,208 alleles (0.00099%); highest among the groups gnomAD compares: Non-Finnish European, 0.0014%; no homozygotes.

Submissions (2):

Labcorp Genetics (formerly Invitae), Labcorp
Classification: Uncertain significance for Neuroblastoma, susceptibility to, 3. Last evaluated: 2025-04-02. Review status: criteria provided, single submitter. Criteria: Invitae Variant Classification Sherloc (09022015). Collection method: clinical testing. Allele origin: germline.
Comment: This sequence change replaces glutamine, which is neutral and polar, with glutamic acid, which is acidic and polar, at codon 577 of the ALK protein (p.Gln577Glu). This variant is present in population databases (no rsID available, gnomAD 0.0009%). This variant has not been reported in the literature in individuals affected with ALK-related conditions. ClinVar contains an entry for this variant (Variation ID: 652210). An algorithm developed to predict the effect of missense changes on protein structure and function (PolyPhen-2) suggests that this variant is likely to be tolerated. In summary, the available evidence is currently insufficient to determine the role of this variant in disease. Therefore, it has been classified as a Variant of Uncertain Significance.

Ambry Genetics
Classification: Uncertain significance for Hereditary cancer-predisposing syndrome. Last evaluated: 2024-03-09. Review status: criteria provided, single submitter. Criteria: Ambry Variant Classification Scheme 2023. Collection method: clinical testing. Allele origin: germline.
Comment: The p.Q577E variant (also known as c.1729C>G), located in coding exon 9 of the ALK gene, results from a C to G substitution at nucleotide position 1729. The glutamine at codon 577 is replaced by glutamic acid, an amino acid with highly similar properties. This amino acid position is conserved. In addition, this alteration is predicted to be tolerated by in silico analysis. Based on the available evidence, the clinical significance of this alteration remains unclear.

NM_004304.5(ALK):c.1729C>G (p.Gln577Glu)

Gene: ALK (ALK receptor tyrosine kinase; minus strand). Cytogenetic location: 2p23.2.
Variant type: single nucleotide variant.
Coding change: c.1729C>G on transcript NM_004304.5 (MANE Select); coding-DNA position 1729, C replaced by G.
Protein change: p.Gln577Glu; replaces glutamine 577 with glutamic acid.
Molecular consequence: missense variant.
Genome position (GRCh38, 1-based): chr2:29,296,976, G>C on the plus strand (C>G on the coding strand, the complement: ALK is on the minus strand). VCF-style: chr2-29296976-G-C. GRCh37 (hg19) VCF-style: chr2-29519842-G-C.
Other names: short protein forms Q577E.
Identifiers: ClinVar variation 652210 (VCV000652210.7), dbSNP rs1430381834, ClinGen allele CA346466274.
Genomic context (GRCh38, chr2:29,296,976, plus strand): 5'-CCATCCACTGCCACAGGCTCAAGCCTTCATAGGCGGCGACATGCCAGACCATCCTGCCTT[G>C]CTCCTTCCCGGTTTTGTTCTCCACTAGCACCAAGGACACGTTTCCCCTCAAGACTCCACG-3'
Protein context (NP_004295.2, residues 567-587): VLVENKTGKE[Gln577Glu]GRMVWHVAAY